The following is an entry in ClinVar:

NM_015627.3(LDLRAP1):c.*1755C>T

Gene: LDLRAP1 (low density lipoprotein receptor adaptor protein 1; plus strand). Cytogenetic location: 1p36.11.
Variant type: single nucleotide variant.
Coding change: c.*1755C>T on transcript NM_015627.3 (MANE Select); 1755 bases downstream of the stop codon, C replaced by T.
Molecular consequence: 3 prime UTR variant.
Genome position (GRCh38, 1-based): chr1:25,568,747, C>T. VCF-style: chr1-25568747-C-T. GRCh37 (hg19) VCF-style: chr1-25895238-C-T.
Identifiers: ClinVar variation 297021 (VCV000297021.6), dbSNP rs7491, ClinGen allele CA10609757.

ClinVar aggregate classification (germline): Benign. Review status: criteria provided, multiple submitters, no conflicts (2 of 4 stars). 2 submissions from 2 submitters: Benign (2). Last evaluated 2018-01-13.

Conditions:
Hypercholesterolemia, familial, 4 (FHCL4). Also called: HYPERCHOLESTEROLEMIA, AUTOSOMAL RECESSIVE, 1; HYPERCHOLESTEROLEMIA, AUTOSOMAL RECESSIVE, 2. Identifiers: Orphanet 391665, MedGen C1863512, MONDO:0011374, OMIM 603813.

Allele frequency attached by ClinVar (database versions not stated): gnomAD 0.53118 and 0.53347; TOPMed 0.53370; 1000 Genomes Project 30x 0.56777; 1000 Genomes Project 0.56929; gnomAD exomes 1.00000.
gnomAD v4.1: 80,728 of 152,186 alleles (53%); highest among the groups gnomAD compares: African/African-American, 69%; 22,210 homozygotes.

Submissions (2):

Illumina Laboratory Services, Illumina
Classification: Benign for Hypercholesterolemia, familial, 4. Last evaluated: 2018-01-13. Review status: criteria provided, single submitter. Criteria: ICSL Variant Classification Criteria 13 December 2019. Collection method: clinical testing. Allele origin: germline.
Comment: This variant was observed in the ICSL laboratory as part of a predisposition screen in an ostensibly healthy population. It had not been previously curated by ICSL or reported in the Human Gene Mutation Database (HGMD: prior to June 1st, 2018), and was therefore a candidate for classification through an automated scoring system. Utilizing variant allele frequency, disease prevalence and penetrance estimates, and inheritance mode, an automated score was calculated to assess if this variant is too frequent to cause the disease. Based on the score and internal cut-off values, a variant classified as benign is not then subjected to further curation. The score for this variant resulted in a classification of benign for this disease.

Breakthrough Genomics
Classification: Benign. Review status: criteria provided, single submitter. Criteria: ACMG Guidelines, 2015. Collection method: not provided. Allele origin: germline. Inheritance: Autosomal recessive inheritance. Affected: yes.